The following is an entry in ClinVar:

ClinVar aggregate classification (germline): Benign. Review status: criteria provided, multiple submitters, no conflicts (2 of 4 stars). 2 submissions from 2 submitters: Benign (2). Last evaluated 2018-06-14.

Allele frequency attached by ClinVar (database versions not stated): 1000 Genomes Project 30x 0.84291; 1000 Genomes Project 0.84485; TOPMed 0.88629; gnomAD 0.90005 and 0.90278; gnomAD exomes 0.93528.
gnomAD v4.1: 1,293,344 of 1,389,228 alleles (93%); highest among the groups gnomAD compares: Non-Finnish European, 96%; 604,369 homozygotes.

Submissions (2):

GeneDx
Classification: Benign. Last evaluated: 2018-06-14. Review status: criteria provided, single submitter. Criteria: GeneDx Variant Classification (06012015). Collection method: clinical testing. Allele origin: germline. Affected: yes.
Comment: This variant is considered likely benign or benign based on one or more of the following criteria: it is a conservative change, it occurs at a poorly conserved position in the protein, it is predicted to be benign by multiple in silico algorithms, and/or has population frequency not consistent with disease.

Breakthrough Genomics
Classification: Benign. Review status: criteria provided, single submitter. Criteria: ACMG Guidelines, 2015. Collection method: not provided. Allele origin: germline. Inheritance: Autosomal dominant inheritance. Affected: yes.

NM_000393.5(COL5A2):c.4353+101A>G

Gene: COL5A2 (collagen type V alpha 2 chain; minus strand). Cytogenetic location: 2q32.2.
Variant type: single nucleotide variant.
Coding change: c.4353+101A>G on transcript NM_000393.5 (MANE Select); 101 bases into the intron after coding-DNA position 4353, A replaced by G.
Molecular consequence: intron variant.
Genome position (GRCh38, 1-based): chr2:189,034,815, T>C on the plus strand (A>G on the coding strand, the complement: COL5A2 is on the minus strand). VCF-style: chr2-189034815-T-C. GRCh37 (hg19) VCF-style: chr2-189899541-T-C.
Identifiers: ClinVar variation 672310 (VCV000672310.2), dbSNP rs4666770, ClinGen allele CA62580943.
Genomic context (GRCh38, chr2:189,034,815, plus strand): 5'-GCTAACACACACACATTTACCCTAAGGAATGACTATAAACAAACTGCTATTATGCTCATA[T>C]ACAAGGTAAAATTGCCCCCAGTTCTAGTGCTGTAATAGTATTTTTAACAAAAATAATTTT-3'